The following is an entry in ClinVar:

ClinVar aggregate classification (germline): Conflicting classifications of pathogenicity. Review status: criteria provided, conflicting classifications (1 of 4 stars). 2 submissions from 2 submitters: Uncertain significance (1); Likely benign (1). Last evaluated 2025-07-02.

Conditions:
Inborn genetic diseases. Identifiers: MedGen C0950123, MeSH D030342.

gnomAD v4.1: 10 of 1,598,518 alleles (0.00063%); highest among the groups gnomAD compares: Non-Finnish European, 0.00076%; no homozygotes.

Submissions (2):

Labcorp Genetics (formerly Invitae), Labcorp
Classification: Uncertain significance. Last evaluated: 2025-07-02. Review status: criteria provided, single submitter. Criteria: Invitae Variant Classification Sherloc (09022015). Collection method: clinical testing. Allele origin: germline.
Comment: This sequence change affects codon 336 of the ETV6 mRNA. It is a 'silent' change, meaning that it does not change the encoded amino acid sequence of the ETV6 protein. It affects a nucleotide within the consensus splice site. This variant is not present in population databases (gnomAD no frequency). This variant has not been reported in the literature in individuals affected with ETV6-related conditions. ClinVar contains an entry for this variant (Variation ID: 3846520). Algorithms developed to predict the effect of sequence changes on RNA splicing suggest that this variant is not likely to affect RNA splicing. In summary, the available evidence is currently insufficient to determine the role of this variant in disease. Therefore, it has been classified as a Variant of Uncertain Significance.

Ambry Genetics
Classification: Likely benign for Inborn genetic diseases. Last evaluated: 2025-01-27. Review status: criteria provided, single submitter. Criteria: Ambry Variant Classification Scheme 2023. Collection method: clinical testing. Allele origin: germline.

NM_001987.5(ETV6):c.1008A>C (p.Ala336=)

Gene: ETV6 (ETS variant transcription factor 6; plus strand). Cytogenetic location: 12p13.2.
Variant type: single nucleotide variant.
Coding change: c.1008A>C on transcript NM_001987.5 (MANE Select); coding-DNA position 1008, A replaced by C.
Protein change: p.Ala336=; no amino-acid change (alanine 336 retained).
Molecular consequence: synonymous variant.
Genome position (GRCh38, 1-based): chr12:11,869,968, A>C. VCF-style: chr12-11869968-A-C. GRCh37 (hg19) VCF-style: chr12-12022902-A-C.
Other names: c.1005A>C, p.Ala335= (NM_001413913.1); c.981A>C, p.Ala327= (NM_001413914.1); c.744A>C, p.Ala248= (NM_001413915.1); c.1008A>C, p.Ala336= (NM_001413916.1, NM_001413917.1).
Identifiers: ClinVar variation 3846520 (VCV003846520.2).